The following is an entry in ClinVar:

ClinVar aggregate classification (germline): Uncertain significance. Review status: criteria provided, multiple submitters, no conflicts (2 of 4 stars). 2 submissions from 2 submitters: Uncertain significance (2). Last evaluated 2025-11-19.

Conditions:
Sotos syndrome (SOTOS). Also called: Distinctive facial appearance, overgrowth in childhood, and learning disabilities or delayed development; SOTOS SYNDROME 1; CHROMOSOME 5q35 DELETION SYNDROME; CEREBRAL GIGANTISM; Sotos' syndrome. Identifiers: Orphanet 821, MedGen C0175695, MONDO:0019349, OMIM 117550.

Submissions (2):

Dasa
Classification: Uncertain significance. Last evaluated: 2025-11-19. Review status: criteria provided, single submitter. Criteria: DASA Assertion Criteria. Collection method: clinical testing. Allele origin: germline.
Comment: NM_022455.5(NSD1):c.2023A>G (p.Met675Val) is a missense variant that results in the substitution of methionine with valine. This variant is rare in population databases. Computational prediction algorithms are consistent with a benign effect. The currently available literature and clinical evidence are not sufficient to establish a definitive association between this variant and the reported condition. Therefore, this variant is classified as a variant of uncertain significance.

Fulgent Genetics
Classification: Uncertain significance for Sotos syndrome. Last evaluated: 2024-06-11. Review status: criteria provided, single submitter. Criteria: ACMG Guidelines, 2015. Collection method: clinical testing. Allele origin: germline.

NM_022455.5(NSD1):c.2023A>G (p.Met675Val)

Gene: NSD1 (nuclear receptor binding SET domain protein 1; plus strand). Cytogenetic location: 5q35.3.
Variant type: single nucleotide variant.
Coding change: c.2023A>G on transcript NM_022455.5 (MANE Select); coding-DNA position 2023, A replaced by G.
Protein change: p.Met675Val; replaces methionine 675 with valine.
Molecular consequence: missense variant.
Genome position (GRCh38, 1-based): chr5:177,210,422, A>G. VCF-style: chr5-177210422-A-G. GRCh37 (hg19) VCF-style: chr5-176637423-A-G.
Other names: c.1150A>G, p.Met384Val (NM_001365684.2, NM_001409306.1, NM_001409307.1 and 3 more transcripts); c.2023A>G, p.Met675Val (NM_001409301.1, NM_001409302.1, NM_001409303.1); c.1603A>G, p.Met535Val (NM_001409304.1); c.1270A>G, p.Met424Val (NM_001409305.1); short protein forms M675V, M424V, M535V, M384V.
Identifiers: ClinVar variation 3591997 (VCV003591997.3).